The following is an entry in ClinVar:

NM_002529.4(NTRK1):c.2194T>G (p.Ser732Ala)

Gene: NTRK1 (neurotrophic receptor tyrosine kinase 1; plus strand). Cytogenetic location: 1q23.1.
Variant type: single nucleotide variant.
Coding change: c.2194T>G on transcript NM_002529.4 (MANE Select); coding-DNA position 2194, T replaced by G.
Protein change: p.Ser732Ala; replaces serine 732 with alanine.
Molecular consequence: missense variant.
Genome position (GRCh38, 1-based): chr1:156,880,146, T>G. VCF-style: chr1-156880146-T-G. GRCh37 (hg19) VCF-style: chr1-156849938-T-G.
Other names: c.2086T>G, p.Ser696Ala (NM_001007792.1); c.2176T>G, p.Ser726Ala (NM_001012331.2); short protein forms S732A, S696A, S726A.
Identifiers: ClinVar variation 1498071 (VCV001498071.8), dbSNP rs1188636387, ClinGen allele CA342940677.

ClinVar aggregate classification (germline): Uncertain significance (1 of 4 stars; one submission).

Conditions:
Hereditary insensitivity to pain with anhidrosis (CIPA). Also called: HSAN Type IV; NTRK1 Congenital Insensitivity to Pain with Anhidrosis; NEUROPATHY, CONGENITAL SENSORY, WITH ANHIDROSIS; hereditary sensory and autonomic neuropathy type 4; INSENSITIVITY TO PAIN, CONGENITAL, WITH ANHIDROSIS; FAMILIAL DYSAUTONOMIA, TYPE II. Identifiers: Orphanet 642, MedGen C0020074, MONDO:0009746, OMIM 256800.

gnomAD v4.1: 1 of 1,613,166 alleles (0.000062%); highest among the groups gnomAD compares: Non-Finnish European, 0.000085%; no homozygotes.

Submission:

Labcorp Genetics (formerly Invitae), Labcorp
Classification: Uncertain significance for Hereditary insensitivity to pain with anhidrosis. Last evaluated: 2020-12-27. Review status: criteria provided, single submitter. Criteria: Invitae Variant Classification Sherloc (09022015). Collection method: clinical testing. Allele origin: germline.
Comment: Advanced modeling of protein sequence and biophysical properties (such as structural, functional, and spatial information, amino acid conservation, physicochemical variation, residue mobility, and thermodynamic stability) performed at Invitae indicates that this missense variant is not expected to disrupt NTRK1 protein function. In summary, the available evidence is currently insufficient to determine the role of this variant in disease. Therefore, it has been classified as a Variant of Uncertain Significance. This variant has not been reported in the literature in individuals with NTRK1-related conditions. This variant is not present in population databases (ExAC no frequency). This sequence change replaces serine with alanine at codon 726 of the NTRK1 protein (p.Ser726Ala). The serine residue is highly conserved and there is a moderate physicochemical difference between serine and alanine.